The following is an entry in ClinVar:

ClinVar aggregate classification (germline): Uncertain significance (1 of 4 stars; one submission).

Submission:

Labcorp Genetics (formerly Invitae), Labcorp
Classification: Uncertain significance. Last evaluated: 2022-08-31. Review status: criteria provided, single submitter. Criteria: Invitae Variant Classification Sherloc (09022015). Collection method: clinical testing. Allele origin: germline.
Comment: Algorithms developed to predict the effect of missense changes on protein structure and function (SIFT, PolyPhen-2, Align-GVGD) all suggest that this variant is likely to be tolerated. In summary, the available evidence is currently insufficient to determine the role of this variant in disease. Therefore, it has been classified as a Variant of Uncertain Significance. ClinVar contains an entry for this variant (Variation ID: 1521796). This variant has not been reported in the literature in individuals affected with C1QA-related conditions. This variant is not present in population databases (gnomAD no frequency). This sequence change replaces valine, which is neutral and non-polar, with leucine, which is neutral and non-polar, at codon 82 of the C1QA protein (p.Val82Leu).

NM_015991.4(C1QA):c.244G>T (p.Val82Leu)

Gene: C1QA (complement C1q A chain; plus strand). Cytogenetic location: 1p36.12.
Variant type: single nucleotide variant.
Coding change: c.244G>T on transcript NM_015991.4 (MANE Select); coding-DNA position 244, G replaced by T.
Protein change: p.Val82Leu; replaces valine 82 with leucine.
Molecular consequence: missense variant.
Genome position (GRCh38, 1-based): chr1:22,638,913, G>T. VCF-style: chr1-22638913-G-T. GRCh37 (hg19) VCF-style: chr1-22965406-G-T.
Other names: c.244G>T, p.Val82Leu (NM_001347465.2, NM_001347466.2); short protein forms V82L.
Identifiers: ClinVar variation 1521796 (VCV001521796.8), dbSNP rs1395307934, ClinGen allele CA338928245.